The following is an entry in ClinVar:

NM_007294.4(BRCA1):c.2278dup (p.Thr760fs)

Gene: BRCA1 (BRCA1 DNA repair associated; minus strand). Cytogenetic location: 17q21.31.
Variant type: Duplication.
Coding change: c.2278dup on transcript NM_007294.4 (MANE Select); coding-DNA position 2278, one base duplicated (A; older notation c.2278dupA).
Protein change: p.Thr760fs; shifts the reading frame from threonine 760.
Molecular consequence: frameshift variant. On other transcripts: intron variant (137).
Genome position (GRCh38, 1-based): chr17:43,093,253, T duplicated on the plus strand (A on the coding strand, the reverse complement: BRCA1 is on the minus strand); the first of 3 consecutive T bases (chr17:43,093,253-43,093,255); duplicating any one gives the same sequence. VCF-style (leftmost placement, unchanged base first): chr17-43093252-G-GT. GRCh37 (hg19) VCF-style: chr17-41245269-G-GT.
Other names: c.2065dup, p.Thr689fs (NM_001407571.1, NM_001407853.1, NM_001407894.1 and 9 more transcripts); c.2278dup, p.Thr760fs (NM_001407581.1, NM_001407582.1, NM_001407583.1 and 30 more transcripts); c.2275dup, p.Thr759fs (NM_001407587.1, NM_001407590.1, NM_001407591.1 and 22 more transcripts); c.2269dup, p.Thr757fs (NM_001407646.1, NM_001407647.1); c.2155dup, p.Thr719fs (NM_001407648.1, NM_001407664.1, NM_001407665.1 and 19 more transcripts); c.2152dup, p.Thr718fs (NM_001407649.1, NM_001407670.1, NM_001407671.1 and 11 more transcripts); c.2200dup, p.Thr734fs (NM_001407653.1, NM_001407654.1, NM_001407655.1 and 4 more transcripts); c.2197dup, p.Thr733fs (NM_001407659.1, NM_001407660.1, NM_001407661.1 and 1 more transcripts); and 42 more; short protein forms T464fs, T592fs, T632fs, T633fs, T648fs, T649fs, T671fs, T672fs.
Identifiers: ClinVar variation 2682151 (VCV002682151.1), dbSNP rs2053790230, ClinGen allele CA2697559900.

ClinVar aggregate classification (germline): Likely pathogenic (1 of 4 stars; one submission).

Submission:

Quest Diagnostics Nichols Institute San Juan Capistrano
Classification: Likely pathogenic. Last evaluated: 2022-09-23. Review status: criteria provided, single submitter. Criteria: Quest Diagnostics criteria. Collection method: clinical testing. Allele origin: unknown.
Comment: This frameshift variant alters the translational reading frame of the BRCA1 mRNA and is predicted to cause the premature termination of BRCA1 protein synthesis. The variant has not been reported in individuals with BRCA1-related diseases in the published literature. It also has not been reported in large, multi-ethnic general populations. Based on the available information, this variant is classified as likely pathogenic.